The following is an entry in ClinVar:

NM_012232.6(CAVIN1):c.927G>A (p.Ala309=)

Gene: CAVIN1 (caveolae associated protein 1; minus strand). Cytogenetic location: 17q21.2.
Variant type: single nucleotide variant.
Coding change: c.927G>A on transcript NM_012232.6 (MANE Select); coding-DNA position 927, G replaced by A.
Protein change: p.Ala309=; no amino-acid change (alanine 309 retained).
Molecular consequence: synonymous variant.
Genome position (GRCh38, 1-based): chr17:42,404,933, C>T on the plus strand (G>A on the coding strand, the complement: CAVIN1 is on the minus strand). VCF-style: chr17-42404933-C-T. GRCh37 (hg19) VCF-style: chr17-40556951-C-T.
Other names: p.Ala309=.
Identifiers: ClinVar variation 130057 (VCV000130057.20), dbSNP rs112332573, ClinGen allele CA154819.

ClinVar aggregate classification (germline): Benign. Review status: criteria provided, multiple submitters, no conflicts (2 of 4 stars). 7 submissions from 7 submitters: Benign (6). 1 of the submissions does not count toward it. Last evaluated 2026-01-31.

Conditions:
Congenital generalized lipodystrophy type 4. Also called: BERARDINELLI-SEIP CONGENITAL LIPODYSTROPHY, TYPE 4, WITH MUSCULAR DYSTROPHY. Identifiers: Orphanet 228429, MedGen C2750069, MONDO:0013225, OMIM 613327.

Allele frequency attached by ClinVar (database versions not stated): gnomAD exomes 0.00434; ExAC 0.00553; gnomAD 0.01692 and 0.01816; 1000 Genomes Project 0.01837; 1000 Genomes Project 30x 0.01843; TOPMed 0.01977; ESP Exome Variant Server 0.02030.
gnomAD v4.1: 5,117 of 1,614,024 alleles (0.32%); highest among the groups gnomAD compares: African/African-American, 6%; 137 homozygotes.

Submissions (7):

Labcorp Genetics (formerly Invitae), Labcorp
Classification: Benign. Last evaluated: 2026-01-31. Review status: criteria provided, single submitter. Criteria: Invitae Variant Classification Sherloc (09022015). Collection method: clinical testing. Allele origin: germline.

Athena Diagnostics
Classification: Benign. Last evaluated: 2025-07-02. Review status: criteria provided, single submitter. Criteria: Athena Diagnostics Criteria. Collection method: clinical testing. Allele origin: unknown.
Comment: The frequency of this variant in the general population is higher than would generally be expected for pathogenic variants in this gene.

Mayo Clinic Laboratories, Mayo Clinic
Classification: Benign. Last evaluated: 2021-11-25. Review status: criteria provided, single submitter. Criteria: ACMG Guidelines, 2015. Collection method: clinical testing. Allele origin: germline. Observed: 31 variant alleles.

GeneDx
Classification: Benign. Last evaluated: 2019-10-07. Review status: criteria provided, single submitter. Criteria: GeneDx Variant Classification Process June 2021. Collection method: clinical testing. Allele origin: germline. Affected: yes.

Illumina Laboratory Services, Illumina
Classification: Benign for Congenital generalized lipodystrophy type 4. Last evaluated: 2018-01-13. Review status: criteria provided, single submitter. Criteria: ICSL Variant Classification Criteria 13 December 2019. Collection method: clinical testing. Allele origin: germline.
Comment: This variant was observed in the ICSL laboratory as part of a predisposition screen in an ostensibly healthy population. It had not been previously curated by ICSL or reported in the Human Gene Mutation Database (HGMD: prior to June 1st, 2018), and was therefore a candidate for classification through an automated scoring system. Utilizing variant allele frequency, disease prevalence and penetrance estimates, and inheritance mode, an automated score was calculated to assess if this variant is too frequent to cause the disease. Based on the score and internal cut-off values, a variant classified as benign is not then subjected to further curation. The score for this variant resulted in a classification of benign for this disease.

Breakthrough Genomics
Classification: Benign. Review status: criteria provided, single submitter. Criteria: ACMG Guidelines, 2015. Collection method: not provided. Allele origin: germline. Inheritance: Autosomal recessive inheritance. Affected: yes.

Genetic Services Laboratory, University of Chicago
Classification: Likely benign for AllHighlyPenetrant. Review status: no assertion criteria provided. Collection method: clinical testing. Allele origin: germline. Inheritance: Autosomal recessive inheritance. Not counted in ClinVar's aggregate classification.
Comment: Likely benign based on allele frequency in 1000 Genomes Project or ESP global frequency and its presence in a patient with a rare or unrelated disease phenotype. NOT Sanger confirmed.